The following is an entry in ClinVar:

ClinVar aggregate classification (germline): Conflicting classifications of pathogenicity. Review status: criteria provided, conflicting classifications (1 of 4 stars). 11 submissions from 10 submitters: Uncertain significance (2); Benign (5); Likely benign (4). Last evaluated 2026-09-01.

Conditions:
RYR1-related disorder. Also called: RYR1-related disorders; RYR1-related condition. Identifiers: MedGen CN239331.
Congenital multicore myopathy with external ophthalmoplegia (CMYO1B). Also called: Congenital myopathy 1B, autosomal recessive; Minicore myopathy; MULTICORE MYOPATHY; MULTIMINICORE DISEASE WITH EXTERNAL OPHTHALMOPLEGIA; Minicore myopathy with external ophthalmoplegia. Identifiers: Orphanet 598, Orphanet 98905, MedGen C1850674, MONDO:0009712, OMIM 255320, HP:0003789.
Malignant hyperthermia, susceptibility to, 1 (MHS1). Also called: Malignant hyperthermia suceptibility 1; Anesthesia related hyperthermia; Malignant hyperpyrexia; Fulminating hyperpyrexia; Pharmacogenic myopathy; RYR1-Related Malignant Hyperthermia Susceptibility. Identifiers: Orphanet 423, MedGen C2930980, MONDO:0007783, OMIM 145600.

Allele frequency attached by ClinVar (database versions not stated): gnomAD exomes 0.00026 and 0.00080; ExAC 0.00093; gnomAD 0.00192 and 0.00197; ESP Exome Variant Server 0.00215; TOPMed 0.00237; 1000 Genomes Project 30x 0.00250; 1000 Genomes Project 0.00280.
gnomAD v4.1: 698 of 1,613,588 alleles (0.043%); highest among the groups gnomAD compares: African/African-American, 0.59%; 1 homozygote.

Submissions (12):

CeGaT Center for Human Genetics Tuebingen
Classification: Likely benign. Last evaluated: 2026-09-01. Review status: criteria provided, single submitter. Criteria: CeGaT Center For Human Genetics Tuebingen Variant Classification Criteria Version 2. Collection method: clinical testing. Allele origin: germline. Affected: yes. Observed: 4 variant alleles.
Comment: RYR1: BP4

Labcorp Genetics (formerly Invitae), Labcorp
Classification: Benign for RYR1-related disorder. Last evaluated: 2026-02-01. Review status: criteria provided, single submitter. Criteria: Invitae Variant Classification Sherloc (09022015). Collection method: clinical testing. Allele origin: germline.

Blueprint Genetics
Classification: Likely benign. Last evaluated: 2024-09-09. Review status: criteria provided, single submitter. Criteria: ACMG Guidelines, 2015. Collection method: clinical testing. Allele origin: germline.

All of Us Research Program, National Institutes of Health
Classification: Benign for Malignant hyperthermia, susceptibility to, 1. Last evaluated: 2024-02-05. Review status: criteria provided, single submitter. Criteria: ACMG Guidelines, 2015. Collection method: clinical testing. Allele origin: germline. Inheritance: Autosomal dominant inheritance. Observed: 139 variant alleles, 139 heterozygotes.
Comment: This study involves interpretation of variants in research participants for the purpose of population health screening. Participant phenotype was not available at the time of variant classification. Additional details can be found in publication PMID: 35346344, PMCID: PMC8962531

Color Diagnostics, LLC DBA Color Health
Classification: Benign for Malignant hyperthermia, susceptibility to, 1. Last evaluated: 2022-10-18. Review status: criteria provided, single submitter. Criteria: ACMG Guidelines, 2015. Collection method: clinical testing. Allele origin: germline.

GeneDx
Classification: Benign. Last evaluated: 2020-03-26. Review status: criteria provided, single submitter. Criteria: GeneDx Variant Classification Process June 2021. Collection method: clinical testing. Allele origin: germline. Affected: yes.

Eurofins Ntd Llc (ga)
Classification: Uncertain significance. Last evaluated: 2018-05-16. Review status: criteria provided, single submitter. Criteria: EGL ClinVar v180209 classification definitions. Collection method: clinical testing. Allele origin: germline. Observed: 2 variant alleles, 2 heterozygotes.

Illumina Laboratory Services, Illumina
Classification: Likely benign for Congenital multicore myopathy with external ophthalmoplegia. Last evaluated: 2018-01-12. Review status: criteria provided, single submitter. Criteria: ICSL Variant Classification Criteria 13 December 2019. Collection method: clinical testing. Allele origin: germline.
Comment: This variant was observed in the ICSL laboratory as part of a predisposition screen in an ostensibly healthy population. It had not been previously curated by ICSL or reported in the Human Gene Mutation Database (HGMD: prior to June 1st, 2018), and was therefore a candidate for classification through an automated scoring system. Utilizing variant allele frequency, disease prevalence and penetrance estimates, and inheritance mode, an automated score was calculated to assess if this variant is too frequent to cause the disease. Based on the score and internal cut-off values, a variant classified as likely benign is not then subjected to further curation. The score for this variant resulted in a classification of likely benign for this disease.

Illumina Laboratory Services, Illumina
Classification: Likely benign for Malignant hyperthermia, susceptibility to, 1. Last evaluated: 2018-01-12. Review status: criteria provided, single submitter. Criteria: ICSL Variant Classification Criteria 13 December 2019. Collection method: clinical testing. Allele origin: germline.
Comment: the same text as in the submission from Illumina Laboratory Services, Illumina above.

Center for Pediatric Genomic Medicine, Children's Mercy Hospital and Clinics
Classification: Uncertain significance. Last evaluated: 2017-05-04. Review status: criteria provided, single submitter. Criteria: ACMG Guidelines, 2015. Collection method: clinical testing. Allele origin: germline.

PreventionGenetics, part of Exact Sciences
Classification: Benign. Last evaluated: 2016-07-15. Review status: criteria provided, single submitter. Criteria: ACMG Guidelines, 2015. Collection method: clinical testing. Allele origin: germline.

Dr. Peter K. Rogan Lab, Western University
No classification provided (evidence only). Condition: Cervical cancer. Review status: no classification provided. Collection method: in vitro. Allele origin: not applicable. Functional consequence: retained intron. Not counted in ClinVar's aggregate classification.

NM_000540.3(RYR1):c.271-7C>G

Gene: RYR1 (ryanodine receptor 1; plus strand). Cytogenetic location: 19q13.2.
Variant type: single nucleotide variant.
Coding change: c.271-7C>G on transcript NM_000540.3 (MANE Select); 7 bases into the intron before coding-DNA position 271, C replaced by G.
Molecular consequence: intron variant.
Genome position (GRCh38, 1-based): chr19:38,443,551, C>G. VCF-style: chr19-38443551-C-G. GRCh37 (hg19) VCF-style: chr19-38934191-C-G.
Other names: c.271-7C>G (NM_001042723.2).
Identifiers: ClinVar variation 197158 (VCV000197158.48), dbSNP rs192495718, ClinGen allele CA024366.
Genomic context (GRCh38, chr19:38,443,551, plus strand): 5'-CAGACCTCTTGGGGATCTGGAGAGTCCGGGGATCTGTGCTTATTCTGTTCCCTCCCTCCC[C>G]CTGCAGTCATCCCAGGGCGGGGGACACAGGACGCTCCTGTATGGCCATGCCATCCTGCTC-3'